The following is an entry in ClinVar:

ClinVar aggregate classification (germline): Likely benign (0 of 4 stars; one submission).

Conditions:
DMXL1-related disorder. Also called: DMXL1-related condition.

Allele frequency attached by ClinVar (database versions not stated): ExAC 0.00015; gnomAD exomes 0.00019; 1000 Genomes Project 0.00020; ESP Exome Variant Server 0.00023; 1000 Genomes Project 30x 0.00031; TOPMed 0.00073; gnomAD 0.00078.
gnomAD v4.1: 394 of 1,614,004 alleles (0.024%); highest among the groups gnomAD compares: Admixed American, 0.25%; 1 homozygote.

Submission:

PreventionGenetics, part of Exact Sciences
Classification: Likely benign for DMXL1-related condition. Last evaluated: 2019-05-15. Review status: no assertion criteria provided. Collection method: clinical testing. Allele origin: germline.
Comment: This variant is classified as likely benign based on ACMG/AMP sequence variant interpretation guidelines (Richards et al. 2015 PMID: 25741868, with internal and published modifications).

NM_001290321.3(DMXL1):c.7038T>C (p.Ile2346=)

Gene: DMXL1 (Dmx like 1; plus strand). Cytogenetic location: 5q23.1.
Variant type: single nucleotide variant.
Coding change: c.7038T>C on transcript NM_001290321.3 (MANE Select); coding-DNA position 7038, T replaced by C.
Protein change: p.Ile2346=; no amino-acid change (isoleucine 2346 retained).
Molecular consequence: synonymous variant. On other transcripts: non-coding transcript variant (3).
Genome position (GRCh38, 1-based): chr5:119,178,147, T>C. VCF-style: chr5-119178147-T-C. GRCh37 (hg19) VCF-style: chr5-118513842-T-C.
Other names: c.7038T>C, p.Ile2346= (NM_001349239.2, NM_001349240.2, NM_001387933.1 and 1 more transcripts); c.6846T>C, p.Ile2282= (NM_001387934.1); c.6333T>C, p.Ile2111= (NM_001387937.1); c.6051T>C, p.Ile2017= (NM_001387938.1).
Identifiers: ClinVar variation 3041985 (VCV003041985.2), dbSNP rs148050244, ClinGen allele CA3380730.